The following is an entry in ClinVar:

ClinVar aggregate classification (germline): Likely benign (1 of 4 stars; one submission).

gnomAD v4.1: 2,613 of 1,567,374 alleles (0.17%); highest among the groups gnomAD compares: Middle Eastern, 0.7%; 7 homozygotes.

Submission:

CeGaT Center for Human Genetics Tuebingen
Classification: Likely benign. Last evaluated: 2026-05-01. Review status: criteria provided, single submitter. Criteria: CeGaT Center For Human Genetics Tuebingen Variant Classification Criteria Version 2. Collection method: clinical testing. Allele origin: germline. Affected: yes. Observed: 1 variant allele.
Comment: TSEN15: BS2

NM_052965.4(TSEN15):c.495+40A>T

Gene: TSEN15 (tRNA splicing endonuclease subunit 15; plus strand). Cytogenetic location: 1q25.3.
Variant type: single nucleotide variant.
Coding change: c.495+40A>T on transcript NM_052965.4 (MANE Select); 40 bases into the intron after coding-DNA position 495, A replaced by T.
Molecular consequence: intron variant.
Genome position (GRCh38, 1-based): chr1:184,072,338, A>T. VCF-style: chr1-184072338-A-T. GRCh37 (hg19) VCF-style: chr1-184041472-A-T.
Other names: c.353+17475A>T (NM_001363643.2); c.507+28A>T (NM_001300764.2); c.391+144A>T (NM_001300766.2); c.354-489A>T (NM_001127394.4).
Identifiers: ClinVar variation 4871990 (VCV004871990.2).